The following is an entry in ClinVar:

NM_001375380.1(EBF3):c.412-11C>A

Gene: EBF3 (EBF transcription factor 3; minus strand). Cytogenetic location: 10q26.3.
Variant type: single nucleotide variant.
Coding change: c.412-11C>A on transcript NM_001375380.1 (MANE Select); 11 bases into the intron before coding-DNA position 412, C replaced by A.
Molecular consequence: intron variant.
Genome position (GRCh38, 1-based): chr10:129,959,018, G>T on the plus strand (C>A on the coding strand, the complement: EBF3 is on the minus strand). VCF-style: chr10-129959018-G-T. GRCh37 (hg19) VCF-style: chr10-131757282-G-T.
Other names: c.412-11C>A (NM_001375392.1, NM_001005463.3, NM_001375390.1 and 3 more transcripts).
Identifiers: ClinVar variation 2637772 (VCV002637772.1), dbSNP rs1257490184, ClinGen allele CA596934996.

ClinVar aggregate classification (germline): Likely benign (1 of 4 stars; one submission).

Allele frequency attached by ClinVar (database versions not stated): gnomAD 0.00001; TOPMed 0.00002.
gnomAD v4.1: 5 of 1,597,548 alleles (0.00031%); highest among the groups gnomAD compares: Admixed American, 0.0085%; no homozygotes.

Submission:

Women's Health and Genetics/Laboratory Corporation of America, LabCorp
Classification: Likely benign. Last evaluated: 2023-10-17. Review status: criteria provided, single submitter. Criteria: LabCorp Variant Classification Summary - May 2015. Collection method: clinical testing. Allele origin: germline.
Comment: Variant summary: EBF3 c.412-11C>A alters a non-conserved nucleotide located at a position not widely known to affect splicing. Consensus agreement among computational tools predict no significant impact on normal splicing. However, these predictions have yet to be confirmed by functional studies. The variant allele was found at a frequency of 1.7e-05 in 230648 control chromosomes (gnomAD). The available data on variant occurrences in the general population are insufficient to allow any conclusion about variant significance. To our knowledge, no occurrence of c.412-11C>A in individuals affected with Hypotonia, Ataxia, And Delayed Development Syndrome and no experimental evidence demonstrating its impact on protein function have been reported. No submitters have cited clinical-significance assessments for this variant to ClinVar after 2014. Based on the evidence outlined above, the variant was classified as likely benign.